The following is an entry in ClinVar:

NM_001927.4(DES):c.1371+2dup

Gene: DES (desmin; plus strand). Cytogenetic location: 2q35.
Variant type: Duplication.
Coding change: c.1371+2dup on transcript NM_001927.4 (MANE Select); the canonical splice donor site of the intron after coding-DNA position 1371, one base duplicated (T; older notation c.1371+2dupT).
Molecular consequence: splice donor variant.
Genome position (GRCh38, 1-based): chr2:219,425,747, T duplicated. VCF-style (leftmost placement, unchanged base first): chr2-219425746-G-GT. GRCh37 (hg19) VCF-style: chr2-220290468-G-GT.
Other names: c.1371+2dup (NM_001382712.1); c.1350+2dup (NM_001382711.1); c.1302+2dup (NM_001382710.1); c.939+2dup (NM_001382709.1); c.1368+2dup (NM_001382708.1); c.1101+2dup (NM_001382713.1).
Identifiers: ClinVar variation 1440568 (VCV001440568.8), dbSNP rs2125172078, ClinGen allele CA2573135392.

ClinVar aggregate classification (germline): Uncertain significance. Review status: criteria provided, multiple submitters, no conflicts (2 of 4 stars). 2 submissions from 2 submitters: Uncertain significance (2). Last evaluated 2021-08-15.

Conditions:
Cardiovascular phenotype. Identifiers: MedGen CN230736.
Desmin-related myofibrillar myopathy (MFM1). Also called: Desminopathy; Desmin related myopathy (former name); Desmin storage myopathy (former name); MYOFIBRILLAR MYOPATHY WITH ARRHYTHMOGENIC RIGHT VENTRICULAR CARDIOMYOPATHY; DESMIN-RELATED MYOPATHY WITH ARRHYTHMOGENIC RIGHT VENTRICULAR CARDIOMYOPATHY; Myofibrillar myopathy 1. Identifiers: Orphanet 363543, Orphanet 98909, MedGen C1832370, MONDO:0011076, OMIM 601419.

Submissions (2):

Labcorp Genetics (formerly Invitae), Labcorp
Classification: Uncertain significance for Desmin-related myofibrillar myopathy. Last evaluated: 2021-08-15. Review status: criteria provided, single submitter. Criteria: Invitae Variant Classification Sherloc (09022015). Collection method: clinical testing. Allele origin: germline.
Comment: In summary, the available evidence is currently insufficient to determine the role of this variant in disease. Therefore, it has been classified as a Variant of Uncertain Significance. Variants that disrupt the consensus splice site are a relatively common cause of aberrant splicing (PMID: 17576681, 9536098). Algorithms developed to predict the effect of sequence changes on RNA splicing suggest that this variant may disrupt the consensus splice site. This variant has not been reported in the literature in individuals affected with DES-related conditions. This variant is not present in population databases (ExAC no frequency). This sequence change falls in intron 8 of the DES gene. It does not directly change the encoded amino acid sequence of the DES protein. It affects a nucleotide within the consensus splice site of the intron.

Ambry Genetics
Classification: Uncertain significance for Cardiovascular phenotype. Last evaluated: 2021-04-08. Review status: criteria provided, single submitter. Criteria: Ambry Variant Classification Scheme 2023. Collection method: clinical testing. Allele origin: germline.
Comment: The c.1371+2dupT intronic variant, results from a duplication of two nucleotides at nucleotide position 1371 after intron 8 of the DES gene. This nucleotide position is highly conserved in available vertebrate species. In silico splice site analysis predicts that this alteration will weaken the native splice donor site. Since supporting evidence is limited at this time, the clinical significance of this alteration remains unclear.

Literature cited by the submitters: PubMed 17576681 (cited by Labcorp Genetics (formerly Invitae), Labcorp); PubMed 9536098 (cited by Labcorp Genetics (formerly Invitae), Labcorp).